The following is an entry in ClinVar:

ClinVar aggregate classification (germline): Uncertain significance (1 of 4 stars; one submission).

gnomAD v4.1: 1 of 1,614,050 alleles (0.000062%); highest among the groups gnomAD compares: Admixed American, 0.0017%; no homozygotes.

Submission:

GeneDx
Classification: Uncertain significance. Last evaluated: 2022-07-19. Review status: criteria provided, single submitter. Criteria: GeneDx Variant Classification Process June 2021. Collection method: clinical testing. Allele origin: germline. Affected: yes.
Comment: Not observed at significant frequency in large population cohorts (gnomAD); In silico analysis supports that this missense variant has a deleterious effect on protein structure/function; Has not been previously published as pathogenic or benign to our knowledge

NM_001348323.3(TRIP12):c.21C>A (p.Asn7Lys)

Gene: TRIP12 (thyroid hormone receptor interactor 12; minus strand). Cytogenetic location: 2q36.3.
Variant type: single nucleotide variant.
Coding change: c.21C>A on transcript NM_001348323.3 (MANE Select); coding-DNA position 21, C replaced by A.
Protein change: p.Asn7Lys; replaces asparagine 7 with lysine.
Molecular consequence: missense variant.
Genome position (GRCh38, 1-based): chr2:229,880,059, G>T on the plus strand (C>A on the coding strand, the complement: TRIP12 is on the minus strand). VCF-style: chr2-229880059-G-T. GRCh37 (hg19) VCF-style: chr2-230744775-G-T.
Other names: c.21C>A, p.Asn7Lys (NM_001284214.2, NM_001284215.2, NM_001284216.2 and 22 more transcripts); short protein forms N7K.
Identifiers: ClinVar variation 2135991 (VCV002135991.1), dbSNP rs2478493966, ClinGen allele CA350909318.
Genomic context (GRCh38, chr2:229,880,059, plus strand): 5'-GTCTTGTGGTTGGGCCCCGGCAGTGTTCCTCTGTGAACGTCGCAGTGACCCCCCTGGATT[G>T]TTATTAGGCCGGTTGGACATTGGCACCTCTCTCTTGAAGGGACATACCCTTTCTAGACAC-3'
Protein context (NP_001335252.1, residues 1-17): MSNRPN[Asn7Lys]NPGGSLRRSQ